The following is an entry in ClinVar:

NM_001114753.3(ENG):c.1238G>A (p.Gly413Asp)

Genes: ENG (endoglin; minus strand), LOC102723566 (uncharacterized LOC102723566; plus strand). Cytogenetic location: 9q34.11.
Variant type: single nucleotide variant.
Coding change: c.1238G>A on transcript NM_001114753.3 (MANE Select); coding-DNA position 1238, G replaced by A.
Protein change: p.Gly413Asp; replaces glycine 413 with aspartic acid.
Molecular consequence: missense variant.
Genome position (GRCh38, 1-based): chr9:127,819,934, C>T on the plus strand (G>A on the coding strand, the complement: ENG is on the minus strand). VCF-style: chr9-127819934-C-T. GRCh37 (hg19) VCF-style: chr9-130582213-C-T.
Other names: c.1238G>A, p.Gly413Asp (NM_000118.4); c.692G>A, p.Gly231Asp (NM_001278138.2); short protein forms G231D, G413D.
Identifiers: ClinVar variation 982494 (VCV000982494.3), dbSNP rs121918401, ClinGen allele CA5252841.

ClinVar aggregate classification (germline): Likely benign (1 of 4 stars; one submission).

Conditions:
Telangiectasia, hereditary hemorrhagic, type 1 (HHT1). Also called: Osler Weber Rendu syndrome type 1; ENG-Related Hereditary Hemorrhagic Telangiectasia. Identifiers: Orphanet 774, MedGen C4551861, MONDO:0008535, OMIM 187300. Disease mechanism: loss of function.

Allele frequency attached by ClinVar (database versions not stated): ExAC 0.00001; gnomAD exomes 0.00001.
gnomAD v4.1: 8 of 1,614,246 alleles (0.0005%); highest among the groups gnomAD compares: Non-Finnish European, 0.00068%; no homozygotes.

Submission:

NIHR Bioresource Rare Diseases, University of Cambridge
Classification: Likely benign for Telangiectasia, hereditary hemorrhagic, type 1. Last evaluated: 2018-01-01. Review status: criteria provided, single submitter. Criteria: ACMG Guidelines, 2015. Collection method: research. Allele origin: unknown. Affected: yes. Observed: 1 variant allele.
Comment: BS1 +BP2

Literature cited by the submitters: PubMed 32573726.